The following is an entry in ClinVar:

NM_001142864.4(PIEZO1):c.772G>A (p.Gly258Ser)

Genes: HSALR1 (HSP90AB1 associated lncRNA 1; plus strand), PIEZO1 (piezo type mechanosensitive ion channel component 1 (Er blood group); minus strand). Cytogenetic location: 16q24.3.
Variant type: single nucleotide variant.
Coding change: c.772G>A on transcript NM_001142864.4 (MANE Select); coding-DNA position 772, G replaced by A.
Protein change: p.Gly258Ser; replaces glycine 258 with serine.
Molecular consequence: missense variant. On other transcripts: non-coding transcript variant (1).
Genome position (GRCh38, 1-based): chr16:88,738,303, C>T on the plus strand (G>A on the coding strand, the complement: PIEZO1 is on the minus strand). VCF-style: chr16-88738303-C-T. GRCh37 (hg19) VCF-style: chr16-88804711-C-T.
Other names: short protein forms G258S.
Identifiers: ClinVar variation 2635606 (VCV002635606.1), dbSNP rs940709569, ClinGen allele CA286436532.
Genomic context (GRCh38, chr16:88,738,303, plus strand): 5'-CAGGCGGGAGCAGAGCCTGTGCCAAGGGCATCTGGTAGCAGTAGAGGCAGATGAGATGGC[C>T]GGCGCCGAAGCACCCCACCGCGACGCAGAGTCTGCTGAAGCCCCGAGTGCTGATGGGAAA-3'
Protein context (NP_001136336.2, residues 248-268): LCVAVGCFGA[Gly258Ser]HLICLYCYQM

ClinVar aggregate classification (germline): Uncertain significance (1 of 4 stars; one submission).

Conditions:
PIEZO1-related disorder. Also called: PIEZO1-related condition; PIEZO1-Related Disorders.

Allele frequency attached by ClinVar (database versions not stated): gnomAD 0.00003; TOPMed 0.00004.
gnomAD v4.1: 29 of 1,535,736 alleles (0.0019%); highest among the groups gnomAD compares: African/African-American, 0.0055%; no homozygotes.

Submission:

PreventionGenetics, part of Exact Sciences
Classification: Uncertain significance for PIEZO1-related condition. Last evaluated: 2023-01-08. Review status: criteria provided, single submitter. Criteria: ACMG Guidelines, 2015. Collection method: clinical testing. Allele origin: germline.
Comment: The PIEZO1 c.772G>A variant is predicted to result in the amino acid substitution p.Gly258Ser. To our knowledge, this variant has not been reported in the literature. This variant is reported in 0.012% of alleles in individuals of African descent in gnomAD. At this time, the clinical significance of this variant is uncertain due to the absence of conclusive functional and genetic evidence.